The following is an entry in ClinVar:

NM_002139.4(RBMX):c.647C>T (p.Thr216Ile)

Gene: RBMX (RNA binding motif protein X-linked; minus strand). Cytogenetic location: Xq26.3.
Variant type: single nucleotide variant.
Coding change: c.647C>T on transcript NM_002139.4 (MANE Select); coding-DNA position 647, C replaced by T.
Protein change: p.Thr216Ile; replaces threonine 216 with isoleucine.
Molecular consequence: missense variant. On other transcripts: synonymous variant (1), non-coding transcript variant (2).
Genome position (GRCh38, 1-based): chrX:136,875,480, G>A on the plus strand (C>T on the coding strand, the complement: RBMX is on the minus strand). VCF-style: chrX-136875480-G-A. GRCh37 (hg19) VCF-style: chrX-135957639-G-A.
Other names: c.322C>T, p.Leu108= (NM_001164803.2); short protein forms T216I.
Identifiers: ClinVar variation 5007506 (VCV005007506.2).

ClinVar aggregate classification (germline): Uncertain significance (1 of 4 stars; one submission).

Conditions:
Intellectual developmental disorder, X-linked, syndromic, Gustavson type. Also called: GUSTAVSON SYNDROME; Severe X-linked intellectual disability, Gustavson type; INTELLECTUAL DEVELOPMENTAL DISORDER WITH OPTIC ATROPHY, DEAFNESS, AND SEIZURES. Identifiers: Orphanet 3078, MedGen C0795965, MONDO:0010661, OMIM 309555.
Intellectual developmental disorder, X-linked, syndromic, Shashi type. Also called: SHASHI X-LINKED MENTAL RETARDATION SYNDROME; Syndromic X-linked intellectual disability Shashi type; INTELLECTUAL DEVELOPMENTAL DISORDER, X-LINKED, SYNDROMIC 11. Identifiers: Orphanet 85286, MedGen C1846145, MONDO:0010277, OMIM 300238.

Submission:

Juno Genomics, Hangzhou Juno Genomics, Inc
Classification: Uncertain significance for Intellectual developmental disorder, X-linked, syndromic, Gustavson type; Intellectual developmental disorder, X-linked, syndromic, Shashi type. Review status: criteria provided, single submitter. Criteria: ACMG Guidelines, 2015. Collection method: clinical testing. Allele origin: germline.
Comment: Absent from controls (or at extremely low frequency if recessive) in Genome Aggregation Database.